The following is an entry in ClinVar:

ClinVar aggregate classification (germline): Uncertain significance. Review status: criteria provided, multiple submitters, no conflicts (2 of 4 stars). 4 submissions from 4 submitters: Uncertain significance (3). 1 of the submissions does not count toward it. Last evaluated 2022-03-11.

Conditions:
Usher syndrome type 1 (USH1). Also called: RETINITIS PIGMENTOSA AND CONGENITAL DEAFNESS. Identifiers: Orphanet 231169, Orphanet 886, MedGen C1568247, MONDO:0010168, OMIM 276900.
Autosomal recessive nonsyndromic hearing loss 12. Also called: DEAFNESS, AUTOSOMAL RECESSIVE 12. Identifiers: Orphanet 90636, MedGen C1832394, MONDO:0011067, OMIM 601386.

Allele frequency attached by ClinVar (database versions not stated): TOPMed 0.00001; gnomAD 0.00002; gnomAD exomes 0.00005 and 0.00006; ExAC 0.00006.
gnomAD v4.1: 78 of 1,597,470 alleles (0.0049%); highest among the groups gnomAD compares: Admixed American, 0.014%; no homozygotes.

Submissions (4):

Labcorp Genetics (formerly Invitae), Labcorp
Classification: Uncertain significance. Last evaluated: 2022-03-11. Review status: criteria provided, single submitter. Criteria: Invitae Variant Classification Sherloc (09022015). Collection method: clinical testing. Allele origin: germline.
Comment: This sequence change replaces arginine, which is basic and polar, with glutamine, which is neutral and polar, at codon 2569 of the CDH23 protein (p.Arg2569Gln). This variant is present in population databases (rs769627991, gnomAD 0.02%). This variant has not been reported in the literature in individuals affected with CDH23-related conditions. ClinVar contains an entry for this variant (Variation ID: 804681). Algorithms developed to predict the effect of missense changes on protein structure and function are either unavailable or do not agree on the potential impact of this missense change (SIFT: "Deleterious"; PolyPhen-2: "Not Available"; Align-GVGD: "Class C0"). In summary, the available evidence is currently insufficient to determine the role of this variant in disease. Therefore, it has been classified as a Variant of Uncertain Significance.

Baylor Genetics
Classification: Uncertain significance for Autosomal recessive nonsyndromic hearing loss 12. Last evaluated: 2019-09-10. Review status: criteria provided, single submitter. Criteria: ACMG Guidelines, 2015. Collection method: clinical testing. Allele origin: unknown. Affected: yes.
Comment: This variant was determined to be of uncertain significance according to ACMG Guidelines, 2015 [PMID:25741868].

Athena Diagnostics
Classification: Uncertain significance. Last evaluated: 2019-03-15. Review status: criteria provided, single submitter. Criteria: Athena Diagnostics Criteria. Collection method: clinical testing. Allele origin: germline.

Natera, Inc.
Classification: Uncertain significance for Usher syndrome type 1. Last evaluated: 2020-03-20. Review status: no assertion criteria provided. Collection method: clinical testing. Allele origin: germline. Not counted in ClinVar's aggregate classification.

NM_022124.6(CDH23):c.7706G>A (p.Arg2569Gln)

Gene: CDH23 (cadherin related 23; plus strand). Cytogenetic location: 10q22.1.
Variant type: single nucleotide variant.
Coding change: c.7706G>A on transcript NM_022124.6 (MANE Select); coding-DNA position 7706, G replaced by A.
Protein change: p.Arg2569Gln; replaces arginine 2569 with glutamine.
Molecular consequence: missense variant.
Genome position (GRCh38, 1-based): chr10:71,803,254, G>A. VCF-style: chr10-71803254-G-A. GRCh37 (hg19) VCF-style: chr10-73563011-G-A.
Other names: c.986G>A, p.Arg329Gln (NM_001171933.1, NM_001171934.1); short protein forms R329Q, R2569Q.
Identifiers: ClinVar variation 804681 (VCV000804681.6), dbSNP rs769627991, ClinGen allele CA5546428.